The following is an entry in ClinVar:

ClinVar aggregate classification (germline): Uncertain significance (1 of 4 stars; one submission).

Allele frequency attached by ClinVar (database versions not stated): gnomAD 0.00001; gnomAD exomes 0.00001; TOPMed 0.00005.
gnomAD v4.1: 8 of 1,570,648 alleles (0.00051%); highest among the groups gnomAD compares: Admixed American, 0.0093%; no homozygotes.

Submission:

CeGaT Center for Human Genetics Tuebingen
Classification: Uncertain significance. Last evaluated: 2024-04-01. Review status: criteria provided, single submitter. Criteria: CeGaT Center For Human Genetics Tuebingen Variant Classification Criteria Version 2. Collection method: clinical testing. Allele origin: germline. Affected: yes. Observed: 1 variant allele.
Comment: CACNA1C: PP3

NM_000719.7(CACNA1C):c.5444+704G>A

Genes: CACNA1C (calcium voltage-gated channel subunit alpha1 C; plus strand), CACNA1C-AS1 (CACNA1C antisense RNA 1; minus strand). Cytogenetic location: 12p13.33.
Variant type: single nucleotide variant.
Coding change: c.5444+704G>A on transcript NM_000719.7 (MANE Select); 704 bases into the intron after coding-DNA position 5444, G replaced by A.
Molecular consequence: intron variant. On other transcripts: missense variant (1).
Genome position (GRCh38, 1-based): chr12:2,680,500, G>A. VCF-style: chr12-2680500-G-A. GRCh37 (hg19) VCF-style: chr12-2789666-G-A.
Other names: c.5549G>A, p.Gly1850Asp (NM_001167625.2); c.5444+704G>A (NM_001167624.3, NM_001167623.2, NM_001129840.2 and 4 more transcripts); c.5588+704G>A (NM_199460.4, NM_001129827.2); c.5504+704G>A (NM_001129832.2); c.5528+704G>A (NM_001129831.2); c.5501+704G>A (NM_001129833.2, NM_001129834.2, NM_001129835.2); c.5567+704G>A (NM_001129829.2); c.5468+704G>A (NM_001129837.2, NM_001129838.2); and 4 more; short protein forms G1850D.
Identifiers: ClinVar variation 3234711 (VCV003234711.20), dbSNP rs892990378, ClinGen allele CA231611916.